The following is an entry in ClinVar:

ClinVar aggregate classification (germline): Benign/Likely benign. Review status: criteria provided, multiple submitters, no conflicts (2 of 4 stars). 4 submissions from 4 submitters: Benign (2); Likely benign (1). 1 of the submissions does not count toward it. Last evaluated 2025-07-21.

Conditions:
Tip-toe gait. Also called: Toe walking. Identifiers: MedGen C0427144, HP:0030051.
Kleefstra syndrome 2 (KLEFS2). Identifiers: MedGen C4540395, MONDO:0054701, OMIM 617768.

Allele frequency attached by ClinVar (database versions not stated): gnomAD 0.00028 and 0.00031; TOPMed 0.00032; ESP Exome Variant Server 0.00038; ExAC 0.00052.
gnomAD v4.1: 482 of 1,614,056 alleles (0.03%); highest among the groups gnomAD compares: Middle Eastern, 0.082%; 6 homozygotes.

Submissions (4):

Labcorp Genetics (formerly Invitae), Labcorp
Classification: Benign. Last evaluated: 2025-07-21. Review status: criteria provided, single submitter. Criteria: Invitae Variant Classification Sherloc (09022015). Collection method: clinical testing. Allele origin: germline.

CeGaT Center for Human Genetics Tuebingen
Classification: Likely benign. Last evaluated: 2023-11-01. Review status: criteria provided, single submitter. Criteria: CeGaT Center For Human Genetics Tuebingen Variant Classification Criteria Version 2. Collection method: clinical testing. Allele origin: germline. Affected: yes. Observed: 2 variant alleles.
Comment: KMT2C: BS1

Department of Pathology and Laboratory Medicine, Sinai Health System
Classification: Benign for Kleefstra syndrome 2. Last evaluated: 2021-07-30. Review status: criteria provided, single submitter. Criteria: ACMG Guidelines, 2015. Collection method: research. Allele origin: germline.

Practice for Gait Abnormalities, David Pomarino, Competency Network Toe Walking C/o Practice Pomarino
Classification: Likely pathogenic for Tip-toe gait. Review status: no assertion criteria provided. Collection method: clinical testing. Allele origin: germline. Affected: yes. Not counted in ClinVar's aggregate classification.
Comment: Hereditary motor sensory neuropathy (HMSN), also known as Charcot-Marie-Tooth Disease (CMT), is the most commonly inherited peripheral polyneuropathy. It constitutes a group of inherited, progressive, motor and sensory peripheral nerve disorders with properties of demyelination, axonal degeneration, or both. It is classified by clinical characteristics, modes of inheritance, electrophysiologic features, metabolic defects, and specific gene markers. Our patients all walk on tiptoe, so they show similar symptoms. When we genetically test them with our toe walking panel, we find that around 90 per cent of them have a genetic variant that explains their toe walking. These can be assigned, for example, to the area of myopathies (such as variants of the COL6A3 gene), the area of hereditary neuropathies (such as variants of the KMT2C gene) or the area of metabolic diseases (such as variants of the PYGM gene). In a smaller group of patients with almost identical symptoms, no abnormality is found in the genes of our panel, but spastic paraplegia can be detected. In another small group of our toe walkers, no abnormalities can be detected in the genes analysed in our toe walking panel, nor do they suffer from spastic paraplegia, as is also the case with healthy children. In contrast to these, however, they show a tiptoe gait. These patients suffer from infantile cerebral palsy, in which toe walking can also be observed.

Literature cited by the submitters: PubMed 37091313 (cited by Practice for Gait Abnormalities, David Pomarino, Competency Network Toe Walking C/o Practice Pomarino).

NM_170606.3(KMT2C):c.12239T>C (p.Ile4080Thr)

Gene: KMT2C (lysine methyltransferase 2C; minus strand). Cytogenetic location: 7q36.1.
Variant type: single nucleotide variant.
Coding change: c.12239T>C on transcript NM_170606.3 (MANE Select); coding-DNA position 12239, T replaced by C.
Protein change: p.Ile4080Thr; replaces isoleucine 4080 with threonine.
Molecular consequence: missense variant.
Genome position (GRCh38, 1-based): chr7:152,154,047, A>G on the plus strand (T>C on the coding strand, the complement: KMT2C is on the minus strand). VCF-style: chr7-152154047-A-G. GRCh37 (hg19) VCF-style: chr7-151851132-A-G.
Other names: short protein forms I4080T.
Identifiers: ClinVar variation 1679901 (VCV001679901.33), dbSNP rs150192787, ClinGen allele CA4578848.